The following is an entry in ClinVar:

ClinVar aggregate classification (germline): Pathogenic/Likely pathogenic. Review status: criteria provided, multiple submitters, no conflicts (2 of 4 stars). 2 submissions from 2 submitters: Pathogenic (1); Likely pathogenic (1). Last evaluated 2025-06-01.

Conditions:
Legius syndrome. Identifiers: Orphanet 137605, MedGen C1969623, MONDO:0012669, OMIM 611431. Disease mechanism: loss of function.

Submissions (2):

GeneDx
Classification: Likely pathogenic. Last evaluated: 2025-06-01. Review status: criteria provided, single submitter. Criteria: GeneDx Variant Classification Process June 2021. Collection method: clinical testing. Allele origin: germline. Affected: yes.
Comment: Nonsense variant predicted to result in protein truncation, as the last 219 amino acid(s) are lost, and other loss-of-function variants have been reported downstream in HGMD; Not observed at significant frequency in large population cohorts (gnomAD); Has not been previously published as pathogenic or benign to our knowledge

Labcorp Genetics (formerly Invitae), Labcorp
Classification: Pathogenic for Legius syndrome. Last evaluated: 2018-08-29. Review status: criteria provided, single submitter. Criteria: Invitae Variant Classification Sherloc (09022015). Collection method: clinical testing. Allele origin: germline.
Comment: This sequence change results in a premature translational stop signal in the SPRED1 gene (p.Gln226*). While this is not anticipated to result in nonsense mediated decay, it is expected to disrupt the last 219 amino acids of the SPRED1 protein. This variant is not present in population databases (ExAC no frequency). This variant has not been reported in the literature in individuals with SPRED1-related disease. ClinVar contains an entry for this variant (Variation ID: 536686). A different truncation (p.Met266Valfs*4) that lies downstream of this variant has been determined to be pathogenic (PMID: 17704776, 22751498). This suggests that deletion of this region of the SPRED1 protein is causative of disease. For these reasons, this variant has been classified as Pathogenic.

Literature cited by the submitters: PubMed 17704776 (cited by Labcorp Genetics (formerly Invitae), Labcorp); PubMed 22751498 (cited by Labcorp Genetics (formerly Invitae), Labcorp).

NM_152594.3(SPRED1):c.676C>T (p.Gln226Ter)

Gene: SPRED1 (sprouty related EVH1 domain containing 1; plus strand). Cytogenetic location: 15q14.
Variant type: single nucleotide variant.
Coding change: c.676C>T on transcript NM_152594.3 (MANE Select); coding-DNA position 676, C replaced by T.
Protein change: p.Gln226Ter; replaces glutamine 226 with a stop codon.
Molecular consequence: nonsense.
Genome position (GRCh38, 1-based): chr15:38,349,515, C>T. VCF-style: chr15-38349515-C-T. GRCh37 (hg19) VCF-style: chr15-38641716-C-T.
Other names: short protein forms Q226*.
Identifiers: ClinVar variation 536686 (VCV000536686.9), dbSNP rs1555392609, ClinGen allele CA391932976.